The following is an entry in ClinVar:

NM_138348.6(OTULIN):c.163A>G (p.Met55Val)

Gene: OTULIN (OTU deubiquitinase with linear linkage specificity; plus strand). Cytogenetic location: 5p15.2.
Variant type: single nucleotide variant.
Coding change: c.163A>G on transcript NM_138348.6 (MANE Select); coding-DNA position 163, A replaced by G.
Protein change: p.Met55Val; replaces methionine 55 with valine.
Molecular consequence: missense variant.
Genome position (GRCh38, 1-based): chr5:14,673,652, A>G. VCF-style: chr5-14673652-A-G. GRCh37 (hg19) VCF-style: chr5-14673761-A-G.
Other names: short protein forms M55V.
Identifiers: ClinVar variation 1477302 (VCV001477302.6), dbSNP rs757388889, ClinGen allele CA3208517.
Genomic context (GRCh38, chr5:14,673,652, plus strand): 5'-AATGTCAGTGCAACAAGTGTTTGAAAATGTCTGCTTTGGTGTAATTTCAGTGAGGAGGAC[A>G]TGTACCGTGCTGCAGATGAAATAGAAAAGGAGAAAGAATTGCTTATACATGAAAGAGGGG-3'
Protein context (NP_612357.4, residues 45-65): MQCPAEHEED[Met55Val]YRAADEIEKE

ClinVar aggregate classification (germline): Uncertain significance (1 of 4 stars; one submission).

Allele frequency attached by ClinVar (database versions not stated): gnomAD exomes below 0.00001 and 0.00001; TOPMed below 0.00001; ExAC 0.00001.
gnomAD v4.1: 5 of 1,613,662 alleles (0.00031%); highest among the groups gnomAD compares: Non-Finnish European, 0.00042%; no homozygotes.

Submission:

Labcorp Genetics (formerly Invitae), Labcorp
Classification: Uncertain significance. Last evaluated: 2021-03-29. Review status: criteria provided, single submitter. Criteria: Invitae Variant Classification Sherloc (09022015). Collection method: clinical testing. Allele origin: germline.
Comment: This variant is present in population databases (rs757388889, ExAC 0.001%). This sequence change replaces methionine with valine at codon 55 of the OTULIN protein (p.Met55Val). The methionine residue is moderately conserved and there is a small physicochemical difference between methionine and valine. This variant has not been reported in the literature in individuals with OTULIN-related conditions. In summary, the available evidence is currently insufficient to determine the role of this variant in disease. Therefore, it has been classified as a Variant of Uncertain Significance. Algorithms developed to predict the effect of missense changes on protein structure and function (SIFT, PolyPhen-2, Align-GVGD) all suggest that this variant is likely to be tolerated, but these predictions have not been confirmed by published functional studies and their clinical significance is uncertain.